The following is an entry in ClinVar:

ClinVar aggregate classification (germline): Uncertain significance (1 of 4 stars; one submission).

Allele frequency attached by ClinVar (database versions not stated): TOPMed below 0.00001; gnomAD 0.00001.
gnomAD v4.1: 1 of 1,610,944 alleles (0.000062%); highest among the groups gnomAD compares: African/African-American, 0.0013%; no homozygotes.

Submission:

Labcorp Genetics (formerly Invitae), Labcorp
Classification: Uncertain significance. Last evaluated: 2025-11-04. Review status: criteria provided, single submitter. Criteria: Invitae Variant Classification Sherloc (09022015). Collection method: clinical testing. Allele origin: germline.
Comment: This sequence change replaces cysteine, which is neutral and slightly polar, with glycine, which is neutral and non-polar, at codon 498 of the TNNI3K protein (p.Cys498Gly). This variant is not present in population databases (gnomAD no frequency). This variant has not been reported in the literature in individuals affected with TNNI3K-related conditions. ClinVar contains an entry for this variant (Variation ID: 1474627). Invitae Evidence Modeling of protein sequence and biophysical properties (such as structural, functional, and spatial information, amino acid conservation, physicochemical variation, residue mobility, and thermodynamic stability) indicates that this missense variant is not expected to disrupt TNNI3K protein function with a negative predictive value of 80%. In summary, the available evidence is currently insufficient to determine the role of this variant in disease. Therefore, it has been classified as a Variant of Uncertain Significance.

NM_015978.3(TNNI3K):c.1492T>G (p.Cys498Gly)

Genes: FPGT-TNNI3K (FPGT-TNNI3K readthrough; plus strand), TNNI3K (TNNI3 interacting kinase; plus strand). Cytogenetic location: 1p31.1.
Variant type: single nucleotide variant.
Coding change: c.1492T>G on transcript NM_015978.3 (MANE Select); coding-DNA position 1492, T replaced by G.
Protein change: p.Cys498Gly; replaces cysteine 498 with glycine.
Molecular consequence: missense variant.
Genome position (GRCh38, 1-based): chr1:74,369,410, T>G. VCF-style: chr1-74369410-T-G. GRCh37 (hg19) VCF-style: chr1-74835094-T-G.
Other names: c.1795T>G, p.Cys599Gly (NM_001112808.3, NM_001199327.2); short protein forms C498G, C599G.
Identifiers: ClinVar variation 1474627 (VCV001474627.8), dbSNP rs1336360719, ClinGen allele CA340786088.